The following is an entry in ClinVar:

ClinVar aggregate classification (germline): Uncertain significance (1 of 4 stars; one submission).

Conditions:
Emery-Dreifuss muscular dystrophy 5, autosomal dominant (EDMD5). Also called: EMERY-DREIFUSS MUSCULAR DYSTROPHY 5. Identifiers: Orphanet 261, MedGen C2751805, MONDO:0013072, OMIM 612999.

gnomAD v4.1: 2 of 1,614,130 alleles (0.00012%); highest among the groups gnomAD compares: Non-Finnish European, 0.000085%; no homozygotes.

Submission:

Labcorp Genetics (formerly Invitae), Labcorp
Classification: Uncertain significance for Emery-Dreifuss muscular dystrophy 5, autosomal dominant. Last evaluated: 2023-07-07. Review status: criteria provided, single submitter. Criteria: Invitae Variant Classification Sherloc (09022015). Collection method: clinical testing. Allele origin: germline.
Comment: An algorithm developed to predict the effect of missense changes on protein structure and function (PolyPhen-2) suggests that this variant is likely to be tolerated. In summary, the available evidence is currently insufficient to determine the role of this variant in disease. Therefore, it has been classified as a Variant of Uncertain Significance. ClinVar contains an entry for this variant (Variation ID: 2098945). This sequence change replaces histidine, which is basic and polar, with glutamine, which is neutral and polar, at codon 5143 of the SYNE2 protein (p.His5143Gln). This variant is not present in population databases (gnomAD no frequency). This variant has not been reported in the literature in individuals affected with SYNE2-related conditions.

NM_182914.3(SYNE2):c.15429C>G (p.His5143Gln)

Gene: SYNE2 (spectrin repeat containing nuclear envelope protein 2; plus strand). Cytogenetic location: 14q23.2.
Variant type: single nucleotide variant.
Coding change: c.15429C>G on transcript NM_182914.3 (MANE Select); coding-DNA position 15429, C replaced by G.
Protein change: p.His5143Gln; replaces histidine 5143 with glutamine.
Molecular consequence: missense variant.
Genome position (GRCh38, 1-based): chr14:64,143,894, C>G. VCF-style: chr14-64143894-C-G. GRCh37 (hg19) VCF-style: chr14-64610612-C-G.
Other names: c.15429C>G, p.His5143Gln (NM_015180.6); short protein forms H5143Q.
Identifiers: ClinVar variation 2098945 (VCV002098945.4), dbSNP rs749068863, ClinGen allele CA389944042.
Genomic context (GRCh38, chr14:64,143,894, plus strand): 5'-TCAGCTAAGCACCTGTGATGTAGAAAGCAAGCGCTATGAAAGAACGGAGTTTGCAGAGCA[C>G]CTGGGGGAGATGAACCGCCAGTGGCACCGTGTACATGGAATGCTGAATAGAAAGGTGTGT-3'
Protein context (NP_878918.2, residues 5133-5153): KRYERTEFAE[His5143Gln]LGEMNRQWHR